The following is an entry in ClinVar:

NM_001242957.3(MAK):c.1042C>T (p.Gln348Ter)

Gene: MAK (male germ cell associated kinase; minus strand). Cytogenetic location: 6p24.2.
Variant type: single nucleotide variant.
Coding change: c.1042C>T on transcript NM_001242957.3 (MANE Select); coding-DNA position 1042, C replaced by T.
Protein change: p.Gln348Ter; replaces glutamine 348 with a stop codon.
Molecular consequence: nonsense. On other transcripts: non-coding transcript variant (2).
Genome position (GRCh38, 1-based): chr6:10,796,099, G>A on the plus strand (C>T on the coding strand, the complement: MAK is on the minus strand). VCF-style: chr6-10796099-G-A. GRCh37 (hg19) VCF-style: chr6-10796332-G-A.
Other names: c.1042C>T, p.Gln348Ter (NM_001242385.2, NM_005906.6); c.940C>T, p.Gln314Ter (NM_001377262.1); short protein forms Q314*, Q348*.
Identifiers: ClinVar variation 2707051 (VCV002707051.3), dbSNP rs2532426483, ClinGen allele CA362719432.

ClinVar aggregate classification (germline): Pathogenic (1 of 4 stars; one submission).

Submission:

Labcorp Genetics (formerly Invitae), Labcorp
Classification: Pathogenic. Last evaluated: 2024-01-02. Review status: criteria provided, single submitter. Criteria: Invitae Variant Classification Sherloc (09022015). Collection method: clinical testing. Allele origin: germline.
Comment: This sequence change creates a premature translational stop signal (p.Gln348*) in the MAK gene. It is expected to result in an absent or disrupted protein product. Loss-of-function variants in MAK are known to be pathogenic (PMID: 21148103, 21825139, 24938718, 29781741). This variant is not present in population databases (gnomAD no frequency). This variant has not been reported in the literature in individuals affected with MAK-related conditions. For these reasons, this variant has been classified as Pathogenic.

Literature cited by the submitters: PubMed 21148103; PubMed 21825139; PubMed 24938718; PubMed 29781741.